The following is an entry in ClinVar:

NM_145239.3(PRRT2):c.827G>A (p.Cys276Tyr)

Genes: PRRT2 (proline rich transmembrane protein 2; plus strand), MVP-DT (MVP divergent transcript; minus strand). Cytogenetic location: 16p11.2.
Variant type: single nucleotide variant.
Coding change: c.827G>A on transcript NM_145239.3 (MANE Select); coding-DNA position 827, G replaced by A.
Protein change: p.Cys276Tyr; replaces cysteine 276 with tyrosine.
Molecular consequence: missense variant.
Genome position (GRCh38, 1-based): chr16:29,813,881, G>A. VCF-style: chr16-29813881-G-A. GRCh37 (hg19) VCF-style: chr16-29825202-G-A.
Other names: c.827G>A, p.Cys276Tyr (NM_001256442.2, NM_001256443.2, NM_001438120.1 and 2 more transcripts); short protein forms C276Y.
Identifiers: ClinVar variation 4796776 (VCV004796776.1).

ClinVar aggregate classification (germline): Likely pathogenic (1 of 4 stars; one submission).

Conditions:
Seizures, benign familial infantile, 2 (BFIS2). Also called: CONVULSIONS, BENIGN FAMILIAL INFANTILE, 2. Identifiers: Orphanet 306, MedGen C1853995, MONDO:0011593, OMIM 605751.

Submission:

MVZ Medizinische Genetik Mainz
Classification: Likely pathogenic for Seizures, benign familial infantile, 2. Last evaluated: 2026-01-27. Review status: criteria provided, single submitter. Criteria: UK Practice Guidelines For Variant Classification V4 01 2020. Collection method: clinical testing. Allele origin: germline. Inheritance: Autosomal dominant inheritance. Affected: yes. Observed: 1 variant allele.
Comment: ACMG Criteria: PM1,PP3_MOD,PM2_SUP,PP2